The following is an entry in ClinVar:

NM_000170.3(GLDC):c.1658T>G (p.Ile553Ser)

Gene: GLDC (glycine decarboxylase; minus strand). Cytogenetic location: 9p24.1.
Variant type: single nucleotide variant.
Coding change: c.1658T>G on transcript NM_000170.3 (MANE Select); coding-DNA position 1658, T replaced by G.
Protein change: p.Ile553Ser; replaces isoleucine 553 with serine.
Molecular consequence: missense variant.
Genome position (GRCh38, 1-based): chr9:6,588,625, A>C on the plus strand (T>G on the coding strand, the complement: GLDC is on the minus strand). VCF-style: chr9-6588625-A-C. GRCh37 (hg19) VCF-style: chr9-6588625-A-C.
Other names: short protein forms I553S.
Identifiers: ClinVar variation 1393268 (VCV001393268.6), dbSNP rs2129837261, ClinGen allele CA372892464.
Genomic context (GRCh38, chr9:6,588,625, plus strand): 5'-AGACGTGGGATTGGGGTAGCTTGGAAATGAGAAAAAAGGCCACAAATAACTACCAGTGGA[A>C]TCATGCTGTGAACAAGGGAAATGTCTTTATTTTCCAGTTTCTTCATGTACCGGACAATGT-3'
Protein context (NP_000161.2, residues 543-563): NKDISLVHSM[Ile553Ser]PLGSCTMKLN

ClinVar aggregate classification (germline): Uncertain significance (1 of 4 stars; one submission).

Conditions:
Glycine encephalopathy. Also called: Nonketotic hyperglycinemia; Non-ketotic hyperglycinemia. Identifiers: Orphanet 407, MedGen C0751748, MONDO:0011612, HP:0008288.

Submission:

Labcorp Genetics (formerly Invitae), Labcorp
Classification: Uncertain significance for Glycine encephalopathy. Last evaluated: 2024-11-04. Review status: criteria provided, single submitter. Criteria: Invitae Variant Classification Sherloc (09022015). Collection method: clinical testing. Allele origin: germline.
Comment: This sequence change replaces isoleucine, which is neutral and non-polar, with serine, which is neutral and polar, at codon 553 of the GLDC protein (p.Ile553Ser). This variant is not present in population databases (gnomAD no frequency). This variant has not been reported in the literature in individuals affected with GLDC-related conditions. ClinVar contains an entry for this variant (Variation ID: 1393268). Invitae Evidence Modeling of protein sequence and biophysical properties (such as structural, functional, and spatial information, amino acid conservation, physicochemical variation, residue mobility, and thermodynamic stability) indicates that this missense variant is expected to disrupt GLDC protein function with a positive predictive value of 95%. In summary, the available evidence is currently insufficient to determine the role of this variant in disease. Therefore, it has been classified as a Variant of Uncertain Significance.